The following is an entry in ClinVar:

NM_032119.4(ADGRV1):c.16481C>G (p.Ser5494Cys)

Gene: ADGRV1 (adhesion G protein-coupled receptor V1; plus strand). Cytogenetic location: 5q14.3.
Variant type: single nucleotide variant.
Coding change: c.16481C>G on transcript NM_032119.4 (MANE Select); coding-DNA position 16481, C replaced by G.
Protein change: p.Ser5494Cys; replaces serine 5494 with cysteine.
Molecular consequence: missense variant. On other transcripts: non-coding transcript variant (1).
Genome position (GRCh38, 1-based): chr5:90,829,056, C>G. VCF-style: chr5-90829056-C-G. GRCh37 (hg19) VCF-style: chr5-90124873-C-G.
Other names: c.16481C>G (NM_032119.3); short protein forms S5494C.
Identifiers: ClinVar variation 1348713 (VCV001348713.5), dbSNP rs762223933, ClinGen allele CA3342165.

ClinVar aggregate classification (germline): Uncertain significance. Review status: criteria provided, multiple submitters, no conflicts (2 of 4 stars). 3 submissions from 3 submitters: Uncertain significance (3). Last evaluated 2025-04-20.

Conditions:
Inborn genetic diseases. Identifiers: MedGen C0950123, MeSH D030342.

Allele frequency attached by ClinVar (database versions not stated): gnomAD 0.00001; gnomAD exomes 0.00001 and 0.00002; TOPMed 0.00001; ExAC 0.00002.
gnomAD v4.1: 13 of 1,612,588 alleles (0.00081%); highest among the groups gnomAD compares: Non-Finnish European, 0.00085%; no homozygotes.

Submissions (3):

Ambry Genetics
Classification: Uncertain significance for Inborn genetic diseases. Last evaluated: 2025-04-20. Review status: criteria provided, single submitter. Criteria: Ambry Variant Classification Scheme 2023. Collection method: clinical testing. Allele origin: germline.

Blueprint Genetics
Classification: Uncertain significance. Last evaluated: 2023-12-18. Review status: criteria provided, single submitter. Criteria: ACMG Guidelines, 2015. Collection method: clinical testing. Allele origin: germline.

Labcorp Genetics (formerly Invitae), Labcorp
Classification: Uncertain significance. Last evaluated: 2022-05-05. Review status: criteria provided, single submitter. Criteria: Invitae Variant Classification Sherloc (09022015). Collection method: clinical testing. Allele origin: germline.
Comment: This sequence change replaces serine, which is neutral and polar, with cysteine, which is neutral and slightly polar, at codon 5494 of the ADGRV1 protein (p.Ser5494Cys). This variant is present in population databases (rs762223933, gnomAD 0.008%). This variant has not been reported in the literature in individuals affected with ADGRV1-related conditions. Algorithms developed to predict the effect of missense changes on protein structure and function are either unavailable or do not agree on the potential impact of this missense change (SIFT: "Deleterious"; PolyPhen-2: "Benign"; Align-GVGD: "Class C15"). In summary, the available evidence is currently insufficient to determine the role of this variant in disease. Therefore, it has been classified as a Variant of Uncertain Significance.